The following is an entry in ClinVar:

NM_000535.7(PMS2):c.1057G>T (p.Ala353Ser)

Gene: PMS2 (PMS1 homolog 2, mismatch repair system component; minus strand). Cytogenetic location: 7p22.1.
Variant type: single nucleotide variant.
Coding change: c.1057G>T on transcript NM_000535.7 (MANE Select); coding-DNA position 1057, G replaced by T.
Protein change: p.Ala353Ser; replaces alanine 353 with serine.
Molecular consequence: missense variant. On other transcripts: non-coding transcript variant (1), intron variant (2).
Genome position (GRCh38, 1-based): chr7:5,989,887, C>A on the plus strand (G>T on the coding strand, the complement: PMS2 is on the minus strand). VCF-style: chr7-5989887-C-A. GRCh37 (hg19) VCF-style: chr7-6029518-C-A.
Other names: c.652G>T, p.Ala218Ser (NM_001322003.2, NM_001322004.2, NM_001322005.2 and 1 more transcripts); c.739G>T, p.Ala247Ser (NM_001322007.2, NM_001322008.2); c.124G>T, p.Ala42Ser (NM_001322011.2, NM_001322012.2); c.484G>T, p.Ala162Ser (NM_001322013.2); c.1057G>T, p.Ala353Ser (NM_001322014.2); c.748G>T, p.Ala250Ser (NM_001322015.2); c.583+2086G>T (NM_001322010.2); c.988+2086G>T (NM_001322006.2); short protein forms A162S, A42S, A218S, A247S, A353S, A250S.
Identifiers: ClinVar variation 1354773 (VCV001354773.11), dbSNP rs587782826, ClinGen allele CA366742896.

ClinVar aggregate classification (germline): Uncertain significance. Review status: criteria provided, multiple submitters, no conflicts (2 of 4 stars). 2 submissions from 2 submitters: Uncertain significance (2). Last evaluated 2025-08-06.

Conditions:
Hereditary nonpolyposis colorectal neoplasms. Identifiers: MedGen C0009405, MeSH D003123.
Hereditary cancer-predisposing syndrome. Also called: Neoplastic Syndromes, Hereditary; Tumor predisposition; Hereditary neoplastic syndrome; Hereditary Cancer Syndrome. Identifiers: Orphanet 140162, MedGen C0027672, MeSH D009386, MONDO:0015356.

Submissions (2):

Ambry Genetics
Classification: Uncertain significance for Hereditary cancer-predisposing syndrome. Last evaluated: 2025-08-06. Review status: criteria provided, single submitter. Criteria: Ambry Variant Classification Scheme 2023. Collection method: clinical testing. Allele origin: germline.
Comment: The p.A353S variant (also known as c.1057G>T), located in coding exon 10 of the PMS2 gene, results from a G to T substitution at nucleotide position 1057. The alanine at codon 353 is replaced by serine, an amino acid with similar properties. This amino acid position is highly conserved in available vertebrate species. In addition, the in silico prediction for this alteration is inconclusive. Based on the available evidence, the clinical significance of this variant remains unclear.

Labcorp Genetics (formerly Invitae), Labcorp
Classification: Uncertain significance for Hereditary nonpolyposis colorectal neoplasms. Last evaluated: 2023-05-16. Review status: criteria provided, single submitter. Criteria: Invitae Variant Classification Sherloc (09022015). Collection method: clinical testing. Allele origin: germline.
Comment: In summary, the available evidence is currently insufficient to determine the role of this variant in disease. Therefore, it has been classified as a Variant of Uncertain Significance. Advanced modeling of protein sequence and biophysical properties (such as structural, functional, and spatial information, amino acid conservation, physicochemical variation, residue mobility, and thermodynamic stability) performed at Invitae indicates that this missense variant is expected to disrupt PMS2 protein function. ClinVar contains an entry for this variant (Variation ID: 1354773). This variant has not been reported in the literature in individuals affected with PMS2-related conditions. This variant is not present in population databases (gnomAD no frequency). This sequence change replaces alanine, which is neutral and non-polar, with serine, which is neutral and polar, at codon 353 of the PMS2 protein (p.Ala353Ser).